The following is an entry in ClinVar:

ClinVar aggregate classification (germline): Conflicting classifications of pathogenicity. Review status: criteria provided, conflicting classifications (1 of 4 stars). 2 submissions from 2 submitters: Likely pathogenic (1); Uncertain significance (1). Last evaluated 2025-07-30.

Conditions:
Mucopolysaccharidosis, MPS-III-B (MPS3B). Also called: N-ACETYL-ALPHA-D-GLUCOSAMINIDASE DEFICIENCY; NAGLU DEFICIENCY; SANFILIPPO SYNDROME B; MPS III B; MPS IIIB (Sanfilippo Syndrome Type B); MUCOPOLYSACCHARIDOSIS, TYPE IIIB. Identifiers: Orphanet 79270, MedGen C0086648, MONDO:0009656, OMIM 252920.
Charcot-Marie-Tooth disease axonal type 2V. Also called: CHARCOT-MARIE-TOOTH NEUROPATHY, TYPE 2V; CHARCOT-MARIE-TOOTH DISEASE, AXONAL, AUTOSOMAL DOMINANT, TYPE 2V. Identifiers: Orphanet 447964, MedGen C5569050, MONDO:0014665, OMIM 616491.

Submissions (2):

Women's Health and Genetics/Laboratory Corporation of America, LabCorp
Classification: Uncertain significance. Last evaluated: 2025-07-30. Review status: criteria provided, single submitter. Criteria: LabCorp Variant Classification Summary - May 2015. Collection method: clinical testing. Allele origin: germline.
Comment: Variant summary: NAGLU c.1810C>T (p.Pro604Ser) results in a non-conservative amino acid change located in the Alpha-N-acetylglucosaminidase, C-terminal (IPR024732) of the encoded protein sequence. Algorithms developed to predict the effect of missense changes on protein structure and function all suggest that this variant is likely to be disruptive. The frequency data for this variant in gnomAD is considered unreliable, as metrics indicate poor data quality at this position. To our knowledge, no occurrence of c.1810C>T in individuals affected with Mucopolysaccharidosis Type IIIB (Sanfilippo Syndrome B) and no experimental evidence demonstrating its impact on protein function have been reported. A different variant affecting the same codon has been classified as likely pathogenic/pathogenic by our lab (c.1811C>T, p.Pro604Leu), supporting the critical relevance of codon 604 to NAGLU protein function. ClinVar contains an entry for this variant (Variation ID: 1489488). Based on the evidence outlined above, the variant was classified as uncertain significance.

Labcorp Genetics (formerly Invitae), Labcorp
Classification: Likely pathogenic for Charcot-Marie-Tooth disease axonal type 2V; Mucopolysaccharidosis, MPS-III-B. Last evaluated: 2021-09-21. Review status: criteria provided, single submitter. Criteria: Invitae Variant Classification Sherloc (09022015). Collection method: clinical testing. Allele origin: germline.
Comment: This variant disrupts the p.Pro604 amino acid residue in NAGLU. Other variant(s) that disrupt this residue have been determined to be pathogenic (PMID: 21910976, 22908982, 29979746). This suggests that this residue is clinically significant, and that variants that disrupt this residue are likely to be disease-causing. This variant has not been reported in the literature in individuals affected with NAGLU-related conditions. Advanced modeling of protein sequence and biophysical properties (such as structural, functional, and spatial information, amino acid conservation, physicochemical variation, residue mobility, and thermodynamic stability) performed at Invitae indicates that this missense variant is expected to disrupt NAGLU protein function. In summary, the currently available evidence indicates that the variant is pathogenic, but additional data are needed to prove that conclusively. Therefore, this variant has been classified as Likely Pathogenic. This sequence change replaces proline with serine at codon 604 of the NAGLU protein (p.Pro604Ser). The proline residue is moderately conserved and there is a moderate physicochemical difference between proline and serine. This variant is not present in population databases (ExAC no frequency).

Literature cited by the submitters: PubMed 21910976 (cited by Labcorp Genetics (formerly Invitae), Labcorp); PubMed 22908982 (cited by Labcorp Genetics (formerly Invitae), Labcorp); PubMed 29979746 (cited by Labcorp Genetics (formerly Invitae), Labcorp).

NM_000263.4(NAGLU):c.1810C>T (p.Pro604Ser)

Gene: NAGLU (N-acetyl-alpha-glucosaminidase; plus strand). Cytogenetic location: 17q21.2.
Variant type: single nucleotide variant.
Coding change: c.1810C>T on transcript NM_000263.4 (MANE Select); coding-DNA position 1810, C replaced by T.
Protein change: p.Pro604Ser; replaces proline 604 with serine.
Molecular consequence: missense variant.
Genome position (GRCh38, 1-based): chr17:42,543,816, C>T. VCF-style: chr17-42543816-C-T. GRCh37 (hg19) VCF-style: chr17-40695834-C-T.
Other names: short protein forms P604S.
Identifiers: ClinVar variation 1489488 (VCV001489488.9), dbSNP rs1347224658, ClinGen allele CA399604948.